The following is an entry in ClinVar:

ClinVar aggregate classification (germline): Conflicting classifications of pathogenicity. Review status: criteria provided, conflicting classifications (1 of 4 stars). 11 submissions from 10 submitters: Uncertain significance (8); Benign (1). 2 of the submissions do not count toward it. Last evaluated 2026-04-20.

Conditions:
TECTA-related disorder. Also called: TECTA-related condition.
Autosomal dominant nonsyndromic hearing loss 12. Also called: DEAFNESS, AUTOSOMAL DOMINANT 8. Identifiers: Orphanet 90635, MedGen C1832187, MONDO:0011102, OMIM 601543.
Autosomal recessive nonsyndromic hearing loss 21. Identifiers: Orphanet 90636, MedGen C1863655, MONDO:0011351, OMIM 603629.

Allele frequency attached by ClinVar (database versions not stated): gnomAD exomes 0.00008 and 0.00015; ExAC 0.00013; ESP Exome Variant Server 0.00015; gnomAD 0.00028 and 0.00031; 1000 Genomes Project 0.00040; 1000 Genomes Project 30x 0.00047; TOPMed 0.00049.
gnomAD v4.1: 165 of 1,602,976 alleles (0.01%); highest among the groups gnomAD compares: Middle Eastern, 0.099%; no homozygotes.

Submissions (11):

PreventionGenetics, part of Exact Sciences
Classification: Uncertain significance for TECTA-related condition. Last evaluated: 2026-04-20. Review status: criteria provided, single submitter. Criteria: ACMG Guidelines, 2015. Collection method: clinical testing. Allele origin: germline.
Comment: The TECTA c.3406G>C variant is predicted to result in the amino acid substitution p.Asp1136His. This variant was reported in an individual with autosomal dominant hearing loss (Hildebrand et al. 2011. PubMed ID: 21520338). This variant is reported in 0.096% of alleles in individuals of African descent in gnomAD. Although we suspect that this variant may be benign, at this time, the clinical significance of this variant is uncertain due to the absence of conclusive functional and genetic evidence.

Labcorp Genetics (formerly Invitae), Labcorp
Classification: Benign. Last evaluated: 2025-09-24. Review status: criteria provided, single submitter. Criteria: Invitae Variant Classification Sherloc (09022015). Collection method: clinical testing. Allele origin: germline.

GeneDx
Classification: Uncertain significance. Last evaluated: 2025-04-28. Review status: criteria provided, single submitter. Criteria: GeneDx Variant Classification Process June 2021. Collection method: clinical testing. Allele origin: germline. Affected: yes.
Comment: Reported in association with autosomal dominant hearing loss in published literature (PMID: 21520338); In silico analysis indicates that this missense variant does not alter protein structure/function; Located in the von Willebrand factor type D3 subdomain of the zonadhesin domain (PMID: 21520338, 31554319, 9590290); This variant is associated with the following publications: (PMID: 25262649, 30245029, 27368438, 21520338, 31554319, 9590290)

Blueprint Genetics
Classification: Uncertain significance. Last evaluated: 2024-10-24. Review status: criteria provided, single submitter. Criteria: ACMG Guidelines, 2015. Collection method: clinical testing. Allele origin: germline.

Fulgent Genetics
Classification: Uncertain significance for Autosomal dominant nonsyndromic hearing loss 12; Autosomal recessive nonsyndromic hearing loss 21. Last evaluated: 2018-10-31. Review status: criteria provided, single submitter. Criteria: ACMG Guidelines, 2015. Collection method: clinical testing. Allele origin: unknown.

Illumina Laboratory Services, Illumina
Classification: Uncertain significance for Autosomal recessive nonsyndromic hearing loss 21. Last evaluated: 2017-04-27. Review status: criteria provided, single submitter. Criteria: ICSL Variant Classification Criteria 13 December 2019. Collection method: clinical testing. Allele origin: germline.

Illumina Laboratory Services, Illumina
Classification: Uncertain significance for Autosomal dominant nonsyndromic hearing loss 12. Last evaluated: 2017-04-27. Review status: criteria provided, single submitter. Criteria: ICSL Variant Classification Criteria 13 December 2019. Collection method: clinical testing. Allele origin: germline.
Comment: This variant was observed as part of a predisposition screen in an ostensibly healthy population. A literature search was performed for the gene, cDNA change, and amino acid change (where applicable). Publications were found based on this search. However, the evidence from the literature, in combination with allele frequency data from public databases where available, was not sufficient to rule this variant in or out of causing disease. Therefore, this variant is classified as a variant of unknown significance.

Eurofins Ntd Llc (ga)
Classification: Uncertain significance. Last evaluated: 2016-08-17. Review status: criteria provided, single submitter. Criteria: EGL Classification Definitions 2015. Collection method: clinical testing. Allele origin: germline. Observed: 1 variant allele, 1 heterozygote.

Laboratory for Molecular Medicine, Mass General Brigham Personalized Medicine
Classification: Uncertain significance. Last evaluated: 2013-04-06. Review status: criteria provided, single submitter. Criteria: LMM Criteria. Collection method: clinical testing. Allele origin: germline. Observed: 1 variant allele.
Comment: The Asp1136His variant in TECTA has been reported in a Spanish family with domin ant postlingual mid-frequency hearing loss (Hildebrand 2011); however, the autho rs did not report the number of family members who were tested and whether the v ariant co-segregated in all affected members. This variant has also been identif ied in 0.05% (2/4406) of African American chromosomes by the NHLBI Exome Sequenc ing Project and in 1/100 (1%) Puerto Rican chromosomes by the 1000 Genomes Proje ct (dbSNP rs147890616). Although, this varian t has been reported in the general population, its frequency is not high enough to rule out a pathogenic role. Computational analyses (biochemical amino acid pr operties, conservation, AlignGVGD, PolyPhen2, and SIFT) do not provide strong su pport for or against an impact to the protein. In summary, additional informatio n is needed to fully assess the clinical significance of this variant.

Clinical Genetics DNA and cytogenetics Diagnostics Lab, Erasmus MC, Erasmus Medical Center
Classification: Uncertain significance. Review status: no assertion criteria provided. Collection method: clinical testing. Allele origin: germline. Affected: yes. Study: VKGL Data-share Consensus. Not counted in ClinVar's aggregate classification.

Joint Genome Diagnostic Labs from Nijmegen and Maastricht, Radboudumc and MUMC+
Classification: Uncertain significance. Review status: no assertion criteria provided. Collection method: clinical testing. Allele origin: germline. Affected: yes. Study: VKGL Data-share Consensus. Not counted in ClinVar's aggregate classification.

Literature cited by the submitters: PubMed 21520338 (cited by Illumina Laboratory Services, Illumina and Laboratory for Molecular Medicine, Mass General Brigham Personalized Medicine); PubMed 25262649 (cited by Illumina Laboratory Services, Illumina).

NM_005422.4(TECTA):c.3406G>C (p.Asp1136His)

Genes: TBCEL-TECTA (TBCEL-TECTA readthrough; plus strand), TECTA (tectorin alpha; plus strand). Cytogenetic location: 11q23.3.
Variant type: single nucleotide variant.
Coding change: c.3406G>C on transcript NM_005422.4 (MANE Select); coding-DNA position 3406, G replaced by C.
Protein change: p.Asp1136His; replaces aspartic acid 1136 with histidine.
Molecular consequence: missense variant.
Genome position (GRCh38, 1-based): chr11:121,137,885, G>C. VCF-style: chr11-121137885-G-C. GRCh37 (hg19) VCF-style: chr11-121008594-G-C.
Other names: c.4363G>C, p.Asp1455His (NM_001378761.1); short protein forms D1136H, D1455H.
Identifiers: ClinVar variation 165360 (VCV000165360.28), dbSNP rs147890616, ClinGen allele CA178099.